The following is an entry in ClinVar:

NM_000538.4(RFXAP):c.738A>G (p.Gln246=)

Gene: RFXAP (regulatory factor X associated protein; plus strand). Cytogenetic location: 13q13.3.
Variant type: single nucleotide variant.
Coding change: c.738A>G on transcript NM_000538.4 (MANE Select); coding-DNA position 738, A replaced by G.
Protein change: p.Gln246=; no amino-acid change (glutamine 246 retained).
Molecular consequence: synonymous variant.
Genome position (GRCh38, 1-based): chr13:36,827,672, A>G. VCF-style: chr13-36827672-A-G. GRCh37 (hg19) VCF-style: chr13-37401809-A-G.
Other names: c.738A>G (NM_000538.3).
Identifiers: ClinVar variation 1635231 (VCV001635231.10), dbSNP rs557694029, ClinGen allele CA6950288.

ClinVar aggregate classification (germline): Likely benign. Review status: criteria provided, single submitter (1 of 4 stars). 2 submissions from 2 submitters: Likely benign (1). 1 of the submissions does not count toward it. Last evaluated 2023-01-28.

Conditions:
MHC class II deficiency. Also called: Bare lymphocyte syndrome 2; BLS, TYPE II. Identifiers: Orphanet 572, MedGen C5447452, MONDO:0008855.
RFXAP-related disorder. Also called: RFXAP-related condition.

Allele frequency attached by ClinVar (database versions not stated): gnomAD 0.00001; gnomAD exomes 0.00001; ExAC 0.00002; TOPMed 0.00002; 1000 Genomes Project 30x 0.00016; 1000 Genomes Project 0.00020.
gnomAD v4.1: 6 of 1,613,746 alleles (0.00037%); highest among the groups gnomAD compares: African/African-American, 0.004%; no homozygotes.

Submissions (2):

Labcorp Genetics (formerly Invitae), Labcorp
Classification: Likely benign for MHC class II deficiency. Last evaluated: 2023-01-28. Review status: criteria provided, single submitter. Criteria: Invitae Variant Classification Sherloc (09022015). Collection method: clinical testing. Allele origin: germline.

PreventionGenetics, part of Exact Sciences
Classification: Likely benign for RFXAP-related condition. Last evaluated: 2019-07-19. Review status: no assertion criteria provided. Collection method: clinical testing. Allele origin: germline. Not counted in ClinVar's aggregate classification.
Comment: This variant is classified as likely benign based on ACMG/AMP sequence variant interpretation guidelines (Richards et al. 2015 PMID: 25741868, with internal and published modifications).